The following is an entry in ClinVar:

ClinVar aggregate classification (germline): Uncertain significance. Review status: criteria provided, multiple submitters, no conflicts (2 of 4 stars). 2 submissions from 2 submitters: Uncertain significance (2). Last evaluated 2024-10-07.

Conditions:
Neuropathy, hereditary motor and sensory, type 6B (HMSN6B). Also called: NEUROPATHY, HEREDITARY MOTOR AND SENSORY, TYPE VIB, WITH OPTIC ATROPHY; HMSN VIB; CHARCOT-MARIE-TOOTH DISEASE, TYPE 6B; Neuropathy, hereditary motor and sensory, type VIB. Identifiers: MedGen C4225302, MONDO:0014671, OMIM 616505.

Allele frequency attached by ClinVar (database versions not stated): gnomAD exomes below 0.00001.

Submissions (2):

Blueprint Genetics
Classification: Uncertain significance. Last evaluated: 2024-10-07. Review status: criteria provided, single submitter. Criteria: ACMG Guidelines, 2015. Collection method: clinical testing. Allele origin: germline.

Labcorp Genetics (formerly Invitae), Labcorp
Classification: Uncertain significance for Neuropathy, hereditary motor and sensory, type 6B. Last evaluated: 2022-05-29. Review status: criteria provided, single submitter. Criteria: Invitae Variant Classification Sherloc (09022015). Collection method: clinical testing. Allele origin: germline.
Comment: This variant is not present in population databases (gnomAD no frequency). In summary, the available evidence is currently insufficient to determine the role of this variant in disease. Therefore, it has been classified as a Variant of Uncertain Significance. Algorithms developed to predict the effect of missense changes on protein structure and function are either unavailable or do not agree on the potential impact of this missense change (SIFT: "Deleterious"; PolyPhen-2: "Probably Damaging"; Align-GVGD: "Class C0"). This variant has not been reported in the literature in individuals affected with SLC25A46-related conditions. This sequence change replaces valine, which is neutral and non-polar, with methionine, which is neutral and non-polar, at codon 43 of the SLC25A46 protein (p.Val43Met).

NM_138773.4(SLC25A46):c.127G>A (p.Val43Met)

Gene: SLC25A46 (solute carrier family 25 member 46; plus strand). Cytogenetic location: 5q22.1.
Variant type: single nucleotide variant.
Coding change: c.127G>A on transcript NM_138773.4 (MANE Select); coding-DNA position 127, G replaced by A.
Protein change: p.Val43Met; replaces valine 43 with methionine.
Molecular consequence: missense variant. On other transcripts: non-coding transcript variant (1), intron variant (1).
Genome position (GRCh38, 1-based): chr5:110,739,246, G>A. VCF-style: chr5-110739246-G-A. GRCh37 (hg19) VCF-style: chr5-110074947-G-A.
Other names: c.127G>A, p.Val43Met (NM_001303249.3); c.10+999G>A (NM_001303250.3); short protein forms V43M.
Identifiers: ClinVar variation 2037471 (VCV002037471.5), dbSNP rs2547515497, ClinGen allele CA360693202.
Genomic context (GRCh38, chr5:110,739,246, plus strand): 5'-GGCTTTGGCGGCGCCTTCCCTGCAAGGTCCTTCAGCACCGGGTCGGACCTGGGCCACTGG[G>A]TGACGACTCCCCCAGATATCCCCGGCAGCCGCAACCTGCACTGGGGCGAGAAGAGCCCGC-3'
Protein context (NP_620128.1, residues 33-53): FSTGSDLGHW[Val43Met]TTPPDIPGSR